The following is an entry in ClinVar:

ClinVar aggregate classification (germline): Uncertain significance (1 of 4 stars; one submission).

Conditions:
Atypical hemolytic-uremic syndrome. Identifiers: Orphanet 2134, MedGen C2931788, MONDO:0016244.
Basal laminar drusen. Also called: DRUSEN OF BRUCH MEMBRANE; DRUSEN, CUTICULAR; DRUSEN, EARLY ADULT-ONSET, GROUPED. Identifiers: Orphanet 75376, MedGen C0730295, MONDO:0007472, OMIM 126700.
Factor H deficiency (CFHD). Also called: COMPLEMENT FACTOR H DEFICIENCY; CFH DEFICIENCY. Identifiers: Orphanet 200421, MedGen C0398777, MONDO:0012350, OMIM 609814.
Age related macular degeneration 4. Identifiers: MedGen C1853147, MONDO:0012540, OMIM 610698.

gnomAD v4.1: 2 of 1,612,786 alleles (0.00012%); highest among the groups gnomAD compares: Non-Finnish European, 0.00017%; no homozygotes.

Submission:

Genomenon, Inc
Classification: Uncertain significance for Basal laminar drusen; Age related macular degeneration 4; Atypical hemolytic-uremic syndrome; Factor H deficiency. Last evaluated: 2025-10-02. Review status: criteria provided, single submitter. Criteria: Genomenon Sequence Variant Interpretation Standards - Updated. Collection method: curation. Allele origin: germline. Affected: no.
Comment: CFH p.Asp194Glu (c.582C>A) is a missense variant that changes the amino acid at residue 194 from Aspartic acid to Glutamic acid. This variant has been reported in the published literature (PMID:34508573). It is absent or not present at a significant frequency in gnomAD. In silico models agree that this variant is not damaging. In conclusion, we classify CFH p.Asp194Glu (c.582C>A) as a variant of uncertain significance.

Literature cited by the submitters: PubMed 34508573.

NM_000186.4(CFH):c.582C>A (p.Asp194Glu)

Gene: CFH (complement factor H; plus strand). Cytogenetic location: 1q31.3.
Variant type: single nucleotide variant.
Coding change: c.582C>A on transcript NM_000186.4 (MANE Select); coding-DNA position 582, C replaced by A.
Protein change: p.Asp194Glu; replaces aspartic acid 194 with glutamic acid.
Molecular consequence: missense variant.
Genome position (GRCh38, 1-based): chr1:196,677,630, C>A. VCF-style: chr1-196677630-C-A. GRCh37 (hg19) VCF-style: chr1-196646760-C-A.
Other names: c.582C>A, p.Asp194Glu (NM_001014975.3); short protein forms D194E.
Identifiers: ClinVar variation 4291304 (VCV004291304.1).
Genomic context (GRCh38, chr1:196,677,630, plus strand): 5'-ACGGTTTGTATGTAACTCAGGCTACAAGATTGAAGGAGATGAAGAAATGCATTGTTCAGA[C>A]GATGGTTTTTGGAGTAAAGAGAAACCAAAGTGTGTGGGTAAGATACACTTACTGTTTTAG-3'
Protein context (NP_000177.2, residues 184-204): IEGDEEMHCS[Asp194Glu]DGFWSKEKPK